The following is an entry in ClinVar:

NM_018344.6(SLC29A3):c.1424T>C (p.Ile475Thr)

Gene: SLC29A3 (solute carrier family 29 member 3; plus strand). Cytogenetic location: 10q22.1.
Variant type: single nucleotide variant.
Coding change: c.1424T>C on transcript NM_018344.6 (MANE Select); coding-DNA position 1424, T replaced by C.
Protein change: p.Ile475Thr; replaces isoleucine 475 with threonine.
Molecular consequence: missense variant. On other transcripts: 3 prime UTR variant (1), non-coding transcript variant (2).
Genome position (GRCh38, 1-based): chr10:71,362,604, T>C. VCF-style: chr10-71362604-T-C. GRCh37 (hg19) VCF-style: chr10-73122361-T-C.
Other names: c.*653T>C (NM_001174098.2); c.1190T>C, p.Ile397Thr (NM_001363518.2); short protein forms I397T, I475T.
Identifiers: ClinVar variation 1502661 (VCV001502661.6), dbSNP rs1564543743, ClinGen allele CA377118065.
Genomic context (GRCh38, chr10:71,362,604, plus strand): 5'-TTTATGTGTGCTTGGGCTTAACACTGGGCTCAGCCTGCTCTACCCTCCTGGTGCACCTCA[T>C]CTAGAAGGGAGGACACAAGGACATTGGTGCTTCAGAGCCTTTGAAGATGAGAAGAGAGTG-3'
Protein context (NP_060814.4, residues 465-475): SACSTLLVHL[Ile475Thr]

ClinVar aggregate classification (germline): Uncertain significance (1 of 4 stars; one submission).

Conditions:
H syndrome. Also called: FAISALABAD HISTIOCYTOSIS; Pigmented hypertrichosis and insulin-dependent diabetes mellitus; HISTIOCYTOSIS AND LYMPHADENOPATHY WITH OR WITHOUT CUTANEOUS, CARDIAC, AND/OR ENDOCRINE FEATURES, JOINT CONTRACTURES, AND/OR DEAFNESS; HYPERPIGMENTATION, CUTANEOUS, WITH HYPERTRICHOSIS, HEPATOSPLENOMEGALY, HEART ANOMALIES, AND HYPOGONADISM WITH OR WITHOUT HEARING LOSS; PIGMENTED HYPERTRICHOSIS WITH INSULIN-DEPENDENT DIABETES MELLITUS; ROSAI-DORFMAN DISEASE, FAMILIAL. Identifiers: Orphanet 168569, MedGen C1864445, MONDO:0011273, OMIM 602782.

Allele frequency attached by ClinVar (database versions not stated): gnomAD exomes below 0.00001.
gnomAD v4.1: 2 of 1,614,104 alleles (0.00012%); highest among the groups gnomAD compares: East Asian, 0.0022%; no homozygotes.

Submission:

Labcorp Genetics (formerly Invitae), Labcorp
Classification: Uncertain significance for H syndrome. Last evaluated: 2025-05-21. Review status: criteria provided, single submitter. Criteria: Invitae Variant Classification Sherloc (09022015). Collection method: clinical testing. Allele origin: germline.
Comment: This sequence change replaces isoleucine, which is neutral and non-polar, with threonine, which is neutral and polar, at codon 475 of the SLC29A3 protein (p.Ile475Thr). This variant is not present in population databases (gnomAD no frequency). This variant has not been reported in the literature in individuals affected with SLC29A3-related conditions. ClinVar contains an entry for this variant (Variation ID: 1502661). Invitae Evidence Modeling of protein sequence and biophysical properties (such as structural, functional, and spatial information, amino acid conservation, physicochemical variation, residue mobility, and thermodynamic stability) has been performed for this missense variant. However, the output from this modeling did not meet the statistical confidence thresholds required to predict the impact of this variant on SLC29A3 protein function. In summary, the available evidence is currently insufficient to determine the role of this variant in disease. Therefore, it has been classified as a Variant of Uncertain Significance.